The following is an entry in ClinVar:

NC_000001.10:g.(?_94508297)_(94511126_?)del

Gene: ABCA4 (ATP binding cassette subfamily A member 4; minus strand). Cytogenetic location: 1p22.1.
Variant type: Deletion.
Identifiers: ClinVar variation 1459050 (VCV001459050.5).

ClinVar aggregate classification (germline): Pathogenic (1 of 4 stars; one submission).

Submission:

Labcorp Genetics (formerly Invitae), Labcorp
Classification: Pathogenic. Last evaluated: 2023-11-27. Review status: criteria provided, single submitter. Criteria: Invitae Variant Classification Sherloc (09022015). Collection method: clinical testing. Allele origin: germline.
Comment: This variant is a gross deletion of the genomic region encompassing exon(s) 20-22 of the ABCA4 gene. This deletion is out-of-frame, and is expected to create a premature termination codon and result in an absent or disrupted protein product. Loss-of-function variants in ABCA4 are known to be pathogenic (PMID: 10958761, 24938718, 25312043, 26780318). A similar copy number variant has been observed in individual(s) with clinical features of Stargardt disease and/or cone-rod dystrophy (PMID: 10090887, 29555955, 30670881). For these reasons, this variant has been classified as Pathogenic.

Literature cited by the submitters: PubMed 10958761; PubMed 24938718; PubMed 25312043; PubMed 26780318; PubMed 10090887; PubMed 29555955; PubMed 30670881.